The following is an entry in ClinVar:

NM_000089.4(COL1A2):c.3835A>G (p.Met1279Val)

Gene: COL1A2 (collagen type I alpha 2 chain; plus strand). Cytogenetic location: 7q21.3.
Variant type: single nucleotide variant.
Coding change: c.3835A>G on transcript NM_000089.4 (MANE Select); coding-DNA position 3835, A replaced by G.
Protein change: p.Met1279Val; replaces methionine 1279 with valine.
Molecular consequence: missense variant.
Genome position (GRCh38, 1-based): chr7:94,429,311, A>G. VCF-style: chr7-94429311-A-G. GRCh37 (hg19) VCF-style: chr7-94058623-A-G.
Other names: short protein forms M1279V.
Identifiers: ClinVar variation 579441 (VCV000579441.15), dbSNP rs775850964, ClinGen allele CA4347862.

ClinVar aggregate classification (germline): Uncertain significance. Review status: criteria provided, multiple submitters, no conflicts (2 of 4 stars). 3 submissions from 3 submitters: Uncertain significance (3). Last evaluated 2025-10-18.

Conditions:
Osteogenesis imperfecta type I (OI1). Also called: OI, TYPE I; OSTEOGENESIS IMPERFECTA TARDA; OSTEOGENESIS IMPERFECTA WITH BLUE SCLERAE; Lobstein's Disease; Classic Non-deforming Osteogenesis Imperfecta with Blue Sclerae; Lobstein disease. Identifiers: Orphanet 216796, Orphanet 666, MedGen C0023931, MONDO:0008146, OMIM 166200. Disease mechanism: loss of function.
Ehlers-Danlos syndrome, classic type, 1 (EDSCL1). Also called: Ehlers-Danlos Syndrome, Classic Type, COL5A1-Related; EDS I; Ehlers-Danlos syndrome, type 1; EHLERS-DANLOS SYNDROME, GRAVIS TYPE; EHLERS-DANLOS SYNDROME, SEVERE CLASSIC TYPE. Identifiers: MedGen C0268335, MONDO:0019567, OMIM 130000.

Allele frequency attached by ClinVar (database versions not stated): ExAC 0.00007; TOPMed 0.00010; gnomAD 0.00005 and 0.00004; gnomAD exomes 0.00008 and 0.00002.

Submissions (3):

Labcorp Genetics (formerly Invitae), Labcorp
Classification: Uncertain significance for Osteogenesis imperfecta type I; Ehlers-Danlos syndrome, classic type, 1. Last evaluated: 2025-10-18. Review status: criteria provided, single submitter. Criteria: Invitae Variant Classification Sherloc (09022015). Collection method: clinical testing. Allele origin: germline.
Comment: This sequence change replaces methionine, which is neutral and non-polar, with valine, which is neutral and non-polar, at codon 1279 of the COL1A2 protein (p.Met1279Val). This variant is present in population databases (rs775850964, gnomAD 0.04%). This missense change has been observed in individual(s) with clinical features of COL1A2-related conditions (internal data). ClinVar contains an entry for this variant (Variation ID: 579441). Invitae Evidence Modeling of protein sequence and biophysical properties (such as structural, functional, and spatial information, amino acid conservation, physicochemical variation, residue mobility, and thermodynamic stability) indicates that this missense variant is expected to disrupt COL1A2 protein function with a positive predictive value of 95%. In summary, the available evidence is currently insufficient to determine the role of this variant in disease. Therefore, it has been classified as a Variant of Uncertain Significance.

Women's Health and Genetics/Laboratory Corporation of America, LabCorp
Classification: Uncertain significance. Last evaluated: 2025-07-07. Review status: criteria provided, single submitter. Criteria: LabCorp Variant Classification Summary - May 2015. Collection method: clinical testing. Allele origin: germline.
Comment: Variant summary: COL1A2 c.3835A>G (p.Met1279Val) results in a conservative amino acid change in the encoded protein sequence. Algorithms developed to predict the effect of missense changes on protein structure and function are either unavailable or do not agree on the potential impact of this missense change. The variant allele was found at a frequency of 7.6e-05 in 251018 control chromosomes. This frequency is not significantly higher than estimated for a pathogenic variant in COL1A2 causing Ehlers-Danlos syndrome, cardiac valvular type (7.6e-05 vs 0.0011), allowing no conclusion about variant significance. c.3835A>G has been observed in individual(s) with clinical features of COL1A2-related conditions (Internal data). These report(s) do not provide unequivocal conclusions about association of the variant with Ehlers-Danlos syndrome, cardiac valvular type. To our knowledge, no experimental evidence demonstrating an impact on protein function has been reported. ClinVar contains an entry for this variant (Variation ID: 579441). Based on the evidence outlined above, the variant was classified as uncertain significance.

GeneDx
Classification: Uncertain significance. Last evaluated: 2023-12-13. Review status: criteria provided, single submitter. Criteria: GeneDx Variant Classification Process June 2021. Collection method: clinical testing. Allele origin: germline. Affected: yes.
Comment: In silico analysis supports that this missense variant has a deleterious effect on protein structure/function; Has not been previously published as pathogenic or benign to our knowledge